The following is an entry in ClinVar:

ClinVar aggregate classification (germline): Uncertain significance (1 of 4 stars; one submission).

Conditions:
Hereditary cancer-predisposing syndrome. Also called: Hereditary neoplastic syndrome; Neoplastic Syndromes, Hereditary; Tumor predisposition; Hereditary Cancer Syndrome. Identifiers: Orphanet 140162, MedGen C0027672, MeSH D009386, MONDO:0015356.

gnomAD v4.1: 1 of 1,614,088 alleles (0.000062%); highest among the groups gnomAD compares: African/African-American, 0.0013%; no homozygotes.

Submission:

Ambry Genetics
Classification: Uncertain significance for Hereditary cancer-predisposing syndrome. Last evaluated: 2025-08-27. Review status: criteria provided, single submitter. Criteria: Ambry Variant Classification Scheme 2023. Collection method: clinical testing. Allele origin: germline.
Comment: The p.K192Q variant (also known as c.574A>C), located in coding exon 7 of the MUTYH gene, results from an A to C substitution at nucleotide position 574. The lysine at codon 192 is replaced by glutamine, an amino acid with similar properties. This amino acid position is conserved. In addition, the in silico prediction for this alteration is inconclusive. Based on the available evidence, the clinical significance of this variant remains unclear.

NM_001048174.2(MUTYH):c.490A>C (p.Lys164Gln)

Gene: MUTYH (mutY DNA glycosylase; minus strand). Cytogenetic location: 1p34.1.
Variant type: single nucleotide variant.
Coding change: c.490A>C on transcript NM_001048174.2 (MANE Select); coding-DNA position 490, A replaced by C.
Protein change: p.Lys164Gln; replaces lysine 164 with glutamine.
Molecular consequence: missense variant. On other transcripts: non-coding transcript variant (7).
Genome position (GRCh38, 1-based): chr1:45,332,765, T>G on the plus strand (A>C on the coding strand, the complement: MUTYH is on the minus strand). VCF-style: chr1-45332765-T-G. GRCh37 (hg19) VCF-style: chr1-45798437-T-G.
Other names: c.214A>C, p.Lys72Gln (NM_001407091.1, NM_001293192.2, NM_001293196.2); c.565A>C, p.Lys189Gln (NM_012222.3); c.145A>C, p.Lys49Gln (NM_001350651.2, NM_001350650.2, NM_001407082.1); c.523A>C, p.Lys175Gln (NM_001407069.1, NM_001407077.1, NM_001293191.2); c.490A>C, p.Lys164Gln (NM_001407070.1, NM_001407072.1, NM_001407073.1 and 6 more transcripts); c.493A>C, p.Lys165Gln (NM_001407071.1, NM_001407078.1, NM_001048172.2 and 1 more transcripts); c.406A>C, p.Lys136Gln (NM_001407075.1); c.574A>C, p.Lys192Gln (NM_001128425.2); and 5 more; short protein forms K165Q, K178Q, K72Q, K150Q, K151Q, K171Q, K179Q, K189Q.
Identifiers: ClinVar variation 4113734 (VCV004113734.1).